The following is an entry in ClinVar:

NM_002519.3(NPAT):c.1951G>A (p.Ala651Thr)

Gene: NPAT (nuclear protein, coactivator of histone transcription; minus strand). Cytogenetic location: 11q22.3.
Variant type: single nucleotide variant.
Coding change: c.1951G>A on transcript NM_002519.3 (MANE Select); coding-DNA position 1951, G replaced by A.
Protein change: p.Ala651Thr; replaces alanine 651 with threonine.
Molecular consequence: missense variant.
Genome position (GRCh38, 1-based): chr11:108,173,033, C>T on the plus strand (G>A on the coding strand, the complement: NPAT is on the minus strand). VCF-style: chr11-108173033-C-T. GRCh37 (hg19) VCF-style: chr11-108043760-C-T.
Other names: c.1951G>A, p.Ala651Thr (NM_001321307.1); short protein forms A651T.
Identifiers: ClinVar variation 2711434 (VCV002711434.3), dbSNP rs2496719313, ClinGen allele CA382513999.
Genomic context (GRCh38, chr11:108,173,033, plus strand): 5'-TATTCTCTTCTTTTACAGAAGATGAAGGCTCCTGTGAATTCTCAGACTTGGATGCCTGAG[C>T]TTCATTTTCTGTATGATTTAACTCAACAGATGCTGAATCATTAGATGGTTGTTTAGTAGA-3'
Protein context (NP_002510.2, residues 641-661): SVELNHTENE[Ala651Thr]QASKSENSQE

ClinVar aggregate classification (germline): Uncertain significance (1 of 4 stars; one submission).

Submission:

Labcorp Genetics (formerly Invitae), Labcorp
Classification: Uncertain significance. Last evaluated: 2024-01-25. Review status: criteria provided, single submitter. Criteria: Invitae Variant Classification Sherloc (09022015). Collection method: clinical testing. Allele origin: germline.
Comment: This sequence change replaces alanine, which is neutral and non-polar, with threonine, which is neutral and polar, at codon 651 of the NPAT protein (p.Ala651Thr). This variant is not present in population databases (gnomAD no frequency). This variant has not been reported in the literature in individuals affected with NPAT-related conditions. Algorithms developed to predict the effect of missense changes on protein structure and function output the following: SIFT: "Not Available"; PolyPhen-2: "Benign"; Align-GVGD: "Not Available". The threonine amino acid residue is found in multiple mammalian species, which suggests that this missense change does not adversely affect protein function. In summary, the available evidence is currently insufficient to determine the role of this variant in disease. Therefore, it has been classified as a Variant of Uncertain Significance.